The following is an entry in ClinVar:

NM_152383.5(DIS3L2):c.11C>T (p.Pro4Leu)

Gene: DIS3L2 (DIS3 like 3'-5' exoribonuclease 2; plus strand). Cytogenetic location: 2q37.1.
Variant type: single nucleotide variant.
Coding change: c.11C>T on transcript NM_152383.5 (MANE Select); coding-DNA position 11, C replaced by T.
Protein change: p.Pro4Leu; replaces proline 4 with leucine.
Molecular consequence: missense variant. On other transcripts: non-coding transcript variant (2).
Genome position (GRCh38, 1-based): chr2:232,014,938, C>T. VCF-style: chr2-232014938-C-T. GRCh37 (hg19) VCF-style: chr2-232879648-C-T.
Other names: c.11C>T, p.Pro4Leu (NM_001257281.2, NM_001257282.2); short protein forms P4L.
Identifiers: ClinVar variation 1436517 (VCV001436517.8), dbSNP rs1694312197, ClinGen allele CA351151040.

ClinVar aggregate classification (germline): Uncertain significance (1 of 4 stars; one submission).

Conditions:
Perlman syndrome (PRLMNS). Identifiers: Orphanet 2849, MedGen C0796113, MONDO:0009965, OMIM 267000.

Allele frequency attached by ClinVar (database versions not stated): gnomAD exomes below 0.00001.
gnomAD v4.1: 1 of 1,613,974 alleles (0.000062%); highest among the groups gnomAD compares: African/African-American, 0.0013%; no homozygotes.

Submission:

Labcorp Genetics (formerly Invitae), Labcorp
Classification: Uncertain significance for Perlman syndrome. Last evaluated: 2020-12-17. Review status: criteria provided, single submitter. Criteria: Invitae Variant Classification Sherloc (09022015). Collection method: clinical testing. Allele origin: germline.
Comment: In summary, the available evidence is currently insufficient to determine the role of this variant in disease. Therefore, it has been classified as a Variant of Uncertain Significance. Algorithms developed to predict the effect of missense changes on protein structure and function output the following: SIFT: "Tolerated"; PolyPhen-2: "Benign"; Align-GVGD: "Class C0". The leucine amino acid residue is found in multiple mammalian species, suggesting that this missense change does not adversely affect protein function. These predictions have not been confirmed by published functional studies and their clinical significance is uncertain. This variant has not been reported in the literature in individuals with DIS3L2-related conditions. This variant is not present in population databases (ExAC no frequency). This sequence change replaces proline with leucine at codon 4 of the DIS3L2 protein (p.Pro4Leu). The proline residue is weakly conserved and there is a moderate physicochemical difference between proline and leucine.